The following is an entry in ClinVar:

ClinVar aggregate classification (germline): Likely benign. Review status: criteria provided, single submitter (1 of 4 stars). 2 submissions from 2 submitters: Likely benign (1). 1 of the submissions does not count toward it. Last evaluated 2023-05-09.

Conditions:
MKS1-related disorder. Also called: MKS1-related disorders; MKS1-related condition. Identifiers: MedGen CN239382.
Joubert syndrome. Also called: Familial aplasia of the vermis; JOUBERT-BOLTSHAUSER SYNDROME. Identifiers: Orphanet 475, MedGen C5979921, MONDO:0018772.
Meckel-Gruber syndrome. Also called: Dysencephalia splachnocystica; GRUBER SYNDROME; DYSENCEPHALIA SPLANCHNOCYSTICA. Identifiers: Orphanet 564, MedGen C0265215, MONDO:0018921.

Submissions (2):

Labcorp Genetics (formerly Invitae), Labcorp
Classification: Likely benign for Joubert syndrome; Meckel-Gruber syndrome. Last evaluated: 2023-05-09. Review status: criteria provided, single submitter. Criteria: Invitae Variant Classification Sherloc (09022015). Collection method: clinical testing. Allele origin: germline.

PreventionGenetics, part of Exact Sciences
Classification: Likely benign for MKS1-related condition. Last evaluated: 2022-09-28. Review status: no assertion criteria provided. Collection method: clinical testing. Allele origin: germline. Not counted in ClinVar's aggregate classification.
Comment: This variant is classified as likely benign based on ACMG/AMP sequence variant interpretation guidelines (Richards et al. 2015 PMID: 25741868, with internal and published modifications).

NM_017777.4(MKS1):c.190+8dup

Gene: MKS1 (MKS transition zone complex subunit 1; minus strand). Cytogenetic location: 17q22.
Variant type: Duplication.
Coding change: c.190+8dup on transcript NM_017777.4 (MANE Select); 8 bases into the intron after coding-DNA position 190, one base duplicated (T; older notation c.190+8dupT).
Molecular consequence: intron variant.
Genome position (GRCh38, 1-based): chr17:58,218,611, A duplicated on the plus strand (T on the coding strand, the reverse complement: MKS1 is on the minus strand); the first of 2 consecutive A bases (chr17:58,218,611-58,218,612); duplicating either gives the same sequence. VCF-style (leftmost placement, unchanged base first): chr17-58218610-T-TA. GRCh37 (hg19) VCF-style: chr17-56295971-T-TA.
Other names: c.190+9dupT (NM_017777.3); c.-322+8dup (NM_001321268.2); c.190+8dup (NM_001330397.2, NM_001321269.2).
Identifiers: ClinVar variation 1100782 (VCV001100782.10), dbSNP rs766767996, ClinGen allele CA8669628.
Genomic context (GRCh38, chr17:58,218,610, plus strand): 5'-TACATTTGGCCACAATTCTGATTAGTATCATAATTAGTATTAGATGGCACATCACCACCG[T>TA]AACACCCACTGGCAGTTGGCTGAGGCCTAAAAGTGGCCAAGTCTATGAGGTCCTTCCCGA-3'